The following is an entry in ClinVar:

ClinVar aggregate classification (germline): Uncertain significance (1 of 4 stars; one submission).

Conditions:
Autosomal recessive ataxia, Beauce type. Also called: ATAXIA, RECESSIVE, OF BEAUCE; Spinocerebellar ataxia, autosomal recessive 8; SYNE1-Related Autosomal Recessive Cerebellar Ataxia; SYNE1 Deficiency. Identifiers: Orphanet 88644, MedGen C1853116, MONDO:0012549, OMIM 610743.
Emery-Dreifuss muscular dystrophy 4, autosomal dominant (EDMD4). Also called: EMERY-DREIFUSS MUSCULAR DYSTROPHY 4 WITH VARIABLE FEATURES. Identifiers: Orphanet 261, MedGen C2751807, MONDO:0013071, OMIM 612998.

Allele frequency attached by ClinVar (database versions not stated): gnomAD 0.00002 and 0.00003; gnomAD exomes 0.00002; TOPMed 0.00002; ExAC 0.00004; ESP Exome Variant Server 0.00008; 1000 Genomes Project 30x 0.00016; 1000 Genomes Project 0.00020.
gnomAD v4.1: 150 of 1,613,976 alleles (0.0093%); highest among the groups gnomAD compares: Non-Finnish European, 0.012%; 1 homozygote.

Submission:

Labcorp Genetics (formerly Invitae), Labcorp
Classification: Uncertain significance for Emery-Dreifuss muscular dystrophy 4, autosomal dominant; Autosomal recessive ataxia, Beauce type. Last evaluated: 2022-10-04. Review status: criteria provided, single submitter. Criteria: Invitae Variant Classification Sherloc (09022015). Collection method: clinical testing. Allele origin: germline.
Comment: This sequence change replaces arginine, which is basic and polar, with tryptophan, which is neutral and slightly polar, at codon 7701 of the SYNE1 protein (p.Arg7701Trp). This variant is present in population databases (rs373935459, gnomAD 0.004%). This variant has not been reported in the literature in individuals affected with SYNE1-related conditions. ClinVar contains an entry for this variant (Variation ID: 1016697). Algorithms developed to predict the effect of missense changes on protein structure and function (SIFT, PolyPhen-2, Align-GVGD) all suggest that this variant is likely to be disruptive. Algorithms developed to predict the effect of sequence changes on RNA splicing suggest that this variant may create or strengthen a splice site. In summary, the available evidence is currently insufficient to determine the role of this variant in disease. Therefore, it has been classified as a Variant of Uncertain Significance.

NM_182961.4(SYNE1):c.23314C>T (p.Arg7772Trp)

Gene: SYNE1 (spectrin repeat containing nuclear envelope protein 1; minus strand). Cytogenetic location: 6q25.2.
Variant type: single nucleotide variant.
Coding change: c.23314C>T on transcript NM_182961.4 (MANE Select); coding-DNA position 23314, C replaced by T.
Protein change: p.Arg7772Trp; replaces arginine 7772 with tryptophan.
Molecular consequence: missense variant. On other transcripts: 5 prime UTR variant (1).
Genome position (GRCh38, 1-based): chr6:152,180,282, G>A on the plus strand (C>T on the coding strand, the complement: SYNE1 is on the minus strand). VCF-style: chr6-152180282-G-A. GRCh37 (hg19) VCF-style: chr6-152501417-G-A.
Other names: c.-81C>T (NM_001347701.2); c.23101C>T, p.Arg7701Trp (NM_033071.5); short protein forms R7701W, R7772W.
Identifiers: ClinVar variation 1016697 (VCV001016697.6), dbSNP rs373935459, ClinGen allele CA4053623.